The following is an entry in ClinVar:

ClinVar aggregate classification (germline): Uncertain significance (1 of 4 stars; one submission).

Conditions:
Inborn genetic diseases. Identifiers: MedGen C0950123, MeSH D030342.

Submission:

Ambry Genetics
Classification: Uncertain significance for Inborn genetic diseases. Last evaluated: 2026-08-31. Review status: criteria provided, single submitter. Criteria: Ambry Variant Classification Scheme 2023. Collection method: clinical testing. Allele origin: germline.
Comment: The p.K67N variant (also known as c.201A>C), located in coding exon 2 of the SBDS gene, results from an A to C substitution at nucleotide position 201. The lysine at codon 67 is replaced by asparagine, an amino acid with similar properties. This amino acid position is conserved. In addition, the in silico prediction for this alteration is inconclusive. Based on the available evidence, the clinical significance of this variant remains unclear.

NM_016038.4(SBDS):c.201A>C (p.Lys67Asn)

Gene: SBDS (SBDS ribosome maturation factor; minus strand). Cytogenetic location: 7q11.21.
Variant type: single nucleotide variant.
Coding change: c.201A>C on transcript NM_016038.4 (MANE Select); coding-DNA position 201, A replaced by C.
Protein change: p.Lys67Asn; replaces lysine 67 with asparagine.
Molecular consequence: missense variant.
Genome position (GRCh38, 1-based): chr7:66,994,269, T>G on the plus strand (A>C on the coding strand, the complement: SBDS is on the minus strand). VCF-style: chr7-66994269-T-G. GRCh37 (hg19) VCF-style: chr7-66459256-T-G.
Other names: short protein forms K67N.
Identifiers: ClinVar variation 5029042 (VCV005029042.1).
Genomic context (GRCh38, chr7:66,994,269, plus strand): 5'-CACCTGCTTACAGATTTCAGTTTGGTCATCTGTTCCAAACGCACTGATGAGATCTTCCTT[T>G]TTGGCAACCTGACCTTTAGAAACATTTACAAACACTGAGTGGGTCTGCAGAACTTCATCG-3'
Protein context (NP_057122.2, residues 57-77): FVNVSKGQVA[Lys67Asn]KEDLISAFGT